The following is an entry in ClinVar:

ClinVar aggregate classification (germline): Uncertain significance (1 of 4 stars; one submission).

Conditions:
Cardiovascular phenotype. Identifiers: MedGen CN230736.

gnomAD v4.1: 4 of 1,613,766 alleles (0.00025%); highest among the groups gnomAD compares: Non-Finnish European, 0.00034%; no homozygotes.

Submission:

Ambry Genetics
Classification: Uncertain significance for Cardiovascular phenotype. Last evaluated: 2026-06-16. Review status: criteria provided, single submitter. Criteria: Ambry Variant Classification Scheme 2023. Collection method: clinical testing. Allele origin: germline.
Comment: The p.S482C variant (also known as c.1445C>G), located in coding exon 12 of the ENG gene, results from a C to G substitution at nucleotide position 1445. The serine at codon 482 is replaced by cysteine, an amino acid with dissimilar properties. This amino acid position is conserved. In addition, this alteration is predicted to be tolerated by in silico analysis. Based on the available evidence, the clinical significance of this variant remains unclear.

NM_001114753.3(ENG):c.1445C>G (p.Ser482Cys)

Genes: ENG (endoglin; minus strand), LOC102723566 (uncharacterized LOC102723566; plus strand). Cytogenetic location: 9q34.11.
Variant type: single nucleotide variant.
Coding change: c.1445C>G on transcript NM_001114753.3 (MANE Select); coding-DNA position 1445, C replaced by G.
Protein change: p.Ser482Cys; replaces serine 482 with cysteine.
Molecular consequence: missense variant. On other transcripts: non-coding transcript variant (1).
Genome position (GRCh38, 1-based): chr9:127,818,361, G>C on the plus strand (C>G on the coding strand, the complement: ENG is on the minus strand). VCF-style: chr9-127818361-G-C. GRCh37 (hg19) VCF-style: chr9-130580640-G-C.
Other names: c.1445C>G, p.Ser482Cys (NM_000118.4); c.899C>G, p.Ser300Cys (NM_001278138.2); short protein forms S300C, S482C.
Identifiers: ClinVar variation 5035947 (VCV005035947.1).